The following is an entry in ClinVar:

ClinVar aggregate classification (germline): Conflicting classifications of pathogenicity. Review status: criteria provided, conflicting classifications (1 of 4 stars). 7 submissions from 7 submitters: Uncertain significance (1); Likely benign (3). 3 of the submissions do not count toward it. Last evaluated 2026-03-01.

Conditions:
Intellectual disability. Also called: Intellectual functioning disability; Intellectual developmental disorder; intellectual disabilities. Identifiers: HP:0007044, MedGen C3714756, MeSH D008607, MONDO:0001071.
DOCK6-related disorder. Also called: DOCK6-related condition.
Bone Paget disease. Also called: Paget disease of bone; Osteitis deformans. Identifiers: MedGen C0029401, MONDO:0005382, HP:0034159.

Allele frequency attached by ClinVar (database versions not stated): 1000 Genomes Project 0.00120; 1000 Genomes Project 30x 0.00125; TOPMed 0.00139; gnomAD 0.00141; ESP Exome Variant Server 0.00202; ExAC 0.00254.
gnomAD v4.1: 3,225 of 1,602,672 alleles (0.2%); highest among the groups gnomAD compares: South Asian, 0.29%; 9 homozygotes.

Submissions (7):

CeGaT Center for Human Genetics Tuebingen
Classification: Likely benign. Last evaluated: 2026-03-01. Review status: criteria provided, single submitter. Criteria: CeGaT Center For Human Genetics Tuebingen Variant Classification Criteria Version 2. Collection method: clinical testing. Allele origin: germline. Affected: yes. Observed: 10 variant alleles.
Comment: DOCK6: BP4, BS2

Labcorp Genetics (formerly Invitae), Labcorp
Classification: Likely benign. Last evaluated: 2026-02-01. Review status: criteria provided, single submitter. Criteria: Invitae Variant Classification Sherloc (09022015). Collection method: clinical testing. Allele origin: germline.

Blueprint Genetics
Classification: Likely benign. Last evaluated: 2024-11-26. Review status: criteria provided, single submitter. Criteria: ACMG Guidelines, 2015. Collection method: clinical testing. Allele origin: germline.

GeneDx
Classification: Uncertain significance. Last evaluated: 2020-07-02. Review status: criteria provided, single submitter. Criteria: GeneDx Variant Classification Process June 2021. Collection method: clinical testing. Allele origin: germline. Affected: yes.
Comment: In silico analysis supports that this missense variant does not alter protein structure/function; Has not been previously published as pathogenic or benign to our knowledge

Endocrinology, CHU de Quebec-Université Laval
Classification: Likely pathogenic for Bone Paget disease. Last evaluated: 2019-12-07. Review status: no assertion criteria provided. Collection method: research. Allele origin: germline. Affected: yes. Not counted in ClinVar's aggregate classification.

PreventionGenetics, part of Exact Sciences
Classification: Likely benign for DOCK6-related condition. Last evaluated: 2019-08-07. Review status: no assertion criteria provided. Collection method: clinical testing. Allele origin: germline. Not counted in ClinVar's aggregate classification.
Comment: This variant is classified as likely benign based on ACMG/AMP sequence variant interpretation guidelines (Richards et al. 2015 PMID: 25741868, with internal and published modifications).

Centre de Biologie Pathologie Génétique, Centre Hospitalier Universitaire de Lille
Classification: Likely benign for Intellectual disability. Last evaluated: 2019-01-01. Review status: no assertion criteria provided. Collection method: clinical testing. Allele origin: inherited. Affected: yes. Not counted in ClinVar's aggregate classification.

NM_020812.4(DOCK6):c.133G>A (p.Val45Ile)

Gene: DOCK6 (dedicator of cytokinesis 6; minus strand). Cytogenetic location: 19p13.2.
Variant type: single nucleotide variant.
Coding change: c.133G>A on transcript NM_020812.4 (MANE Select); coding-DNA position 133, G replaced by A.
Protein change: p.Val45Ile; replaces valine 45 with isoleucine.
Molecular consequence: missense variant.
Genome position (GRCh38, 1-based): chr19:11,252,958, C>T on the plus strand (G>A on the coding strand, the complement: DOCK6 is on the minus strand). VCF-style: chr19-11252958-C-T. GRCh37 (hg19) VCF-style: chr19-11363634-C-T.
Other names: c.133G>A, p.Val45Ile (NM_001367830.1); short protein forms V45I.
Identifiers: ClinVar variation 710944 (VCV000710944.40), dbSNP rs183060698, ClinGen allele CA9208611.
Genomic context (GRCh38, chr19:11,252,958, plus strand): 5'-GTGGCCGGCTCAGAAGTACATCCTCAAAGTCCAGGGGCTCGACAACTTCAGTCAGTGGGA[C>T]CTGGATTGGAGCAAAGTGGCTGTGATCGCACTACCTAGGAGGCTGAGAGTGGGGGCACGA-3'
Protein context (NP_065863.2, residues 35-55): SSRRCSSSLG[Val45Ile]PLTEVVEPLD